The following is an entry in ClinVar:

ClinVar aggregate classification (germline): Uncertain significance (1 of 4 stars; one submission).

Conditions:
Encephalopathy, acute, infection-induced (herpes-specific), susceptibility to, 1. Also called: Herpes simplex encephalitis, susceptibility to, 1. Identifiers: Orphanet 1930, MedGen C2750180, MONDO:0024563, OMIM 610551.

Allele frequency attached by ClinVar (database versions not stated): gnomAD exomes below 0.00001.
gnomAD v4.1: 7 of 1,614,068 alleles (0.00043%); highest among the groups gnomAD compares: Non-Finnish European, 0.00042%; no homozygotes.

Submission:

Labcorp Genetics (formerly Invitae), Labcorp
Classification: Uncertain significance for Encephalopathy, acute, infection-induced (herpes-specific), susceptibility to, 1. Last evaluated: 2024-01-08. Review status: criteria provided, single submitter. Criteria: Invitae Variant Classification Sherloc (09022015). Collection method: clinical testing. Allele origin: germline.
Comment: This sequence change affects codon 894 of the TLR3 mRNA. It is a 'silent' change, meaning that it does not change the encoded amino acid sequence of the TLR3 protein. This variant is present in population databases (no rsID available, gnomAD 0.0009%). This variant has not been reported in the literature in individuals affected with TLR3-related conditions. Algorithms developed to predict the effect of sequence changes on RNA splicing suggest that this variant may create or strengthen a splice site. In summary, the available evidence is currently insufficient to determine the role of this variant in disease. Therefore, it has been classified as a Variant of Uncertain Significance.

NM_003265.3(TLR3):c.2682A>G (p.Gln894=)

Gene: TLR3 (toll like receptor 3; plus strand). Cytogenetic location: 4q35.1.
Variant type: single nucleotide variant.
Coding change: c.2682A>G on transcript NM_003265.3 (MANE Select); coding-DNA position 2682, A replaced by G.
Protein change: p.Gln894=; no amino-acid change (glutamine 894 retained).
Molecular consequence: synonymous variant.
Genome position (GRCh38, 1-based): chr4:186,084,840, A>G. VCF-style: chr4-186084840-A-G. GRCh37 (hg19) VCF-style: chr4-187005994-A-G.
Identifiers: ClinVar variation 2708204 (VCV002708204.3), dbSNP rs1259167195, ClinGen allele CA442880460.